The following is an entry in ClinVar:

NM_013276.4(SHPK):c.888G>T (p.Gln296His)

Gene: SHPK (sedoheptulokinase; minus strand). Cytogenetic location: 17p13.2.
Variant type: single nucleotide variant.
Coding change: c.888G>T on transcript NM_013276.4 (MANE Select); coding-DNA position 888, G replaced by T.
Protein change: p.Gln296His; replaces glutamine 296 with histidine.
Molecular consequence: missense variant.
Genome position (GRCh38, 1-based): chr17:3,615,473, C>A on the plus strand (G>T on the coding strand, the complement: SHPK is on the minus strand). VCF-style: chr17-3615473-C-A. GRCh37 (hg19) VCF-style: chr17-3518767-C-A.
Other names: short protein forms Q296H.
Identifiers: ClinVar variation 2114929 (VCV002114929.4), dbSNP rs2507572172, ClinGen allele CA397699591.
Genomic context (GRCh38, chr17:3,615,473, plus strand): 5'-CCCCAGGTAGGTCCTGTTGAAGTATGGGAAGTAGGCGACTGGGGCCGTAGGGTCTGGAGT[C>A]TGTGCAGGCTGGAATCCTGAAGGCATGGAGGCTGCCAGCTGAACCGAGGTGCTGATGTTG-3'
Protein context (NP_037408.2, residues 286-306): ASMPSGFQPA[Gln296His]TPDPTAPVAY

ClinVar aggregate classification (germline): Uncertain significance (1 of 4 stars; one submission).

Submission:

Labcorp Genetics (formerly Invitae), Labcorp
Classification: Uncertain significance. Last evaluated: 2022-08-19. Review status: criteria provided, single submitter. Criteria: Invitae Variant Classification Sherloc (09022015). Collection method: clinical testing. Allele origin: germline.
Comment: In summary, the available evidence is currently insufficient to determine the role of this variant in disease. Therefore, it has been classified as a Variant of Uncertain Significance. Algorithms developed to predict the effect of missense changes on protein structure and function are either unavailable or do not agree on the potential impact of this missense change (SIFT: "Deleterious"; PolyPhen-2: "Benign"; Align-GVGD: "Class C0"). This variant has not been reported in the literature in individuals affected with SHPK-related conditions. This variant is not present in population databases (gnomAD no frequency). This sequence change replaces glutamine, which is neutral and polar, with histidine, which is basic and polar, at codon 296 of the SHPK protein (p.Gln296His).